The following is an entry in ClinVar:

NM_001177316.2(SLC34A3):c.561G>A (p.Arg187=)

Gene: SLC34A3 (solute carrier family 34 member 3; plus strand). Cytogenetic location: 9q34.3.
Variant type: single nucleotide variant.
Coding change: c.561G>A on transcript NM_001177316.2 (MANE Select); coding-DNA position 561, G replaced by A.
Protein change: p.Arg187=; no amino-acid change (arginine 187 retained).
Molecular consequence: synonymous variant.
Genome position (GRCh38, 1-based): chr9:137,233,209, G>A. VCF-style: chr9-137233209-G-A. GRCh37 (hg19) VCF-style: chr9-140127661-G-A.
Other names: c.561G>A (NM_080877.2); c.561G>A, p.Arg187= (NM_001177317.2, NM_080877.3).
Identifiers: ClinVar variation 1498112 (VCV001498112.8), dbSNP rs1260778090, ClinGen allele CA467942139.

ClinVar aggregate classification (germline): Conflicting classifications of pathogenicity. Review status: criteria provided, conflicting classifications (1 of 4 stars). 2 submissions from 2 submitters: Uncertain significance (1); Likely benign (1). Last evaluated 2025-03-27.

Conditions:
Inborn genetic diseases. Identifiers: MedGen C0950123, MeSH D030342.

Allele frequency attached by ClinVar (database versions not stated): gnomAD 0.00004; gnomAD exomes 0.00002; TOPMed 0.00003.
gnomAD v4.1: 46 of 1,576,750 alleles (0.0029%); highest among the groups gnomAD compares: Non-Finnish European, 0.0039%; no homozygotes.

Submissions (2):

Ambry Genetics
Classification: Likely benign for Inborn genetic diseases. Last evaluated: 2025-03-27. Review status: criteria provided, single submitter. Criteria: Ambry Variant Classification Scheme 2023. Collection method: clinical testing. Allele origin: germline.

Labcorp Genetics (formerly Invitae), Labcorp
Classification: Uncertain significance. Last evaluated: 2024-10-22. Review status: criteria provided, single submitter. Criteria: Invitae Variant Classification Sherloc (09022015). Collection method: clinical testing. Allele origin: germline.
Comment: This sequence change affects codon 187 of the SLC34A3 mRNA. It is a 'silent' change, meaning that it does not change the encoded amino acid sequence of the SLC34A3 protein. It affects a nucleotide within the consensus splice site. This variant is present in population databases (no rsID available, gnomAD 0.005%). This variant has not been reported in the literature in individuals affected with SLC34A3-related conditions. ClinVar contains an entry for this variant (Variation ID: 1498112). Algorithms developed to predict the effect of sequence changes on RNA splicing suggest that this variant is not likely to affect RNA splicing. In summary, the available evidence is currently insufficient to determine the role of this variant in disease. Therefore, it has been classified as a Variant of Uncertain Significance.